The following is an entry in ClinVar:

ClinVar aggregate classification (germline): Uncertain significance (1 of 4 stars; one submission).

Conditions:
Wieacker-Wolff syndrome, female-restricted (WRWFFR). Identifiers: MedGen C5393303, MONDO:0026762, OMIM 301041.

Submission:

Laboratorio de Genetica e Diagnostico Molecular, Hospital Israelita Albert Einstein
Classification: Uncertain significance for Wieacker-Wolff syndrome, female-restricted. Last evaluated: 2023-01-12. Review status: criteria provided, single submitter. Criteria: ACMG Guidelines, 2015. Collection method: clinical testing. Allele origin: germline. Affected: yes. Observed: 1 variant allele.
Comment: ACMG classification criteria: PM2 moderated, PM4

NM_018684.4(ZC4H2):c.290_292del (p.Leu97del)

Gene: ZC4H2 (zinc finger C4H2-type containing; minus strand). Cytogenetic location: Xq11.2.
Variant type: Deletion.
Coding change: c.290_292del on transcript NM_018684.4 (MANE Select); coding-DNA positions 290 to 292, 3 bases deleted (TGC; older notation c.290_292delTGC).
Protein change: p.Leu97del; deletes leucine 97.
Molecular consequence: inframe deletion. On other transcripts: non-coding transcript variant (1).
Genome position (GRCh38, 1-based): chrX:64,920,187-64,920,189, GCA deleted on the plus strand (TGC on the coding strand, the reverse complement: ZC4H2 is on the minus strand); deleting any 3 consecutive bases within chrX:64,920,187-64,920,191 gives the same sequence; the c. name uses the placement nearest the transcript's 3' end. VCF-style (leftmost placement, unchanged base first): chrX-64920186-TGCA-T. GRCh37 (hg19) VCF-style: chrX-64140066-TGCA-T.
Other names: c.221_223del, p.Leu74del (NM_001178032.3, NM_001243804.2); c.290_292del, p.Leu97del (NM_001178033.3); short protein forms L74del, L97del.
Identifiers: ClinVar variation 2431957 (VCV002431957.1), dbSNP rs2519693912, ClinGen allele CA2580101267.
Genomic context (GRCh38, chrX:64,920,186, plus strand): 5'-TGCAGGCCCAGAGTCATGCGCAGGGCATCCACATGTTCTTTCAGTGGCTTATACTCATCA[TGCA>T]GCCTCCTTGTAGACTCTAGCAGCTTGTTTAGGTCATTCTCAGATTGTTTGATAGTGTTTT-3'